The following is an entry in ClinVar:

NM_198578.4(LRRK2):c.4904T>C (p.Leu1635Pro)

Gene: LRRK2 (leucine rich repeat kinase 2; plus strand). Cytogenetic location: 12q12.
Variant type: single nucleotide variant.
Coding change: c.4904T>C on transcript NM_198578.4 (MANE Select); coding-DNA position 4904, T replaced by C.
Protein change: p.Leu1635Pro; replaces leucine 1635 with proline.
Molecular consequence: missense variant.
Genome position (GRCh38, 1-based): chr12:40,320,064, T>C. VCF-style: chr12-40320064-T-C. GRCh37 (hg19) VCF-style: chr12-40713866-T-C.
Other names: short protein forms L1635P.
Identifiers: ClinVar variation 2489569 (VCV002489569.2), dbSNP rs2499873475, ClinGen allele CA384419549.

ClinVar aggregate classification (germline): Uncertain significance (1 of 4 stars; one submission).

Conditions:
Inborn genetic diseases. Identifiers: MedGen C0950123, MeSH D030342.

Submission:

Ambry Genetics
Classification: Uncertain significance for Inborn genetic diseases. Last evaluated: 2022-11-19. Review status: criteria provided, single submitter. Criteria: Ambry Variant Classification Scheme 2023. Collection method: clinical testing. Allele origin: germline.
Comment: The p.L1635P variant (also known as c.4904T>C), located in coding exon 34 of the LRRK2 gene, results from a T to C substitution at nucleotide position 4904. The leucine at codon 1635 is replaced by proline, an amino acid with similar properties. This amino acid position is conserved. In addition, this alteration is predicted to be deleterious by in silico analysis. Since supporting evidence is limited at this time, the clinical significance of this alteration remains unclear.